The following is an entry in ClinVar:

ClinVar aggregate classification (germline): Uncertain significance (1 of 4 stars; one submission).

Submission:

GeneDx
Classification: Uncertain significance. Last evaluated: 2025-03-06. Review status: criteria provided, single submitter. Criteria: GeneDx Variant Classification Process June 2021. Collection method: clinical testing. Allele origin: germline. Affected: yes.
Comment: Not observed at significant frequency in large population cohorts (gnomAD); In silico analysis supports that this missense variant has a deleterious effect on protein structure/function; Has not been previously published as pathogenic or benign to our knowledge

NM_001366145.2(TRPM3):c.991C>T (p.Pro331Ser)

Gene: TRPM3 (transient receptor potential cation channel subfamily M member 3; minus strand). Cytogenetic location: 9q21.12.
Variant type: single nucleotide variant.
Coding change: c.991C>T on transcript NM_001366145.2 (MANE Select); coding-DNA position 991, C replaced by T.
Protein change: p.Pro331Ser; replaces proline 331 with serine.
Molecular consequence: missense variant.
Genome position (GRCh38, 1-based): chr9:70,784,262, G>A on the plus strand (C>T on the coding strand, the complement: TRPM3 is on the minus strand). VCF-style: chr9-70784262-G-A. GRCh37 (hg19) VCF-style: chr9-73399178-G-A.
Other names: c.607C>T, p.Pro203Ser (NM_001007470.3, NM_206946.5, NM_206947.5); c.991C>T, p.Pro331Ser (NM_001007471.4, NM_001366146.2, NM_001366149.2 and 3 more transcripts); c.997C>T, p.Pro333Ser (NM_001366141.2, NM_001366142.2, NM_001366143.2 and 1 more transcripts); c.1066C>T, p.Pro356Ser (NM_001366147.2, NM_001366148.2, NM_001366152.2); c.532C>T, p.Pro178Ser (NM_001366154.2, NM_020952.6, NM_024971.7 and 3 more transcripts); short protein forms P178S, P203S, P331S, P333S, P356S.
Identifiers: ClinVar variation 4082818 (VCV004082818.1).